The following is an entry in ClinVar:

ClinVar aggregate classification (germline): Pathogenic (1 of 4 stars; one submission).

Submission:

Labcorp Genetics (formerly Invitae), Labcorp
Classification: Pathogenic. Last evaluated: 2020-12-08. Review status: criteria provided, single submitter. Criteria: Invitae Variant Classification Sherloc (09022015). Collection method: clinical testing. Allele origin: germline.
Comment: For these reasons, this variant has been classified as Pathogenic. This variant disrupts the C-terminus of the GDF5 protein. Other variant(s) that disrupt this region (p.Ala382Profs*71) have been determined to be pathogenic (PMID: 12900894). This suggests that variants that disrupt this region of the protein are likely to be causative of disease. This variant has not been reported in the literature in individuals with GDF5-related conditions. This variant is not present in population databases (ExAC no frequency). This sequence change creates a premature translational stop signal (p.Tyr222*) in the GDF5 gene. While this is not anticipated to result in nonsense mediated decay, it is expected to disrupt the last 280 amino acid(s) of the GDF5 protein.

Literature cited by the submitters: PubMed 12900894.

NM_000557.5(GDF5):c.666C>A (p.Tyr222Ter)

Gene: GDF5 (growth differentiation factor 5; minus strand). Cytogenetic location: 20q11.22.
Variant type: single nucleotide variant.
Coding change: c.666C>A on transcript NM_000557.5 (MANE Select); coding-DNA position 666, C replaced by A.
Protein change: p.Tyr222Ter; replaces tyrosine 222 with a stop codon.
Molecular consequence: nonsense.
Genome position (GRCh38, 1-based): chr20:35,434,749, G>T on the plus strand (C>A on the coding strand, the complement: GDF5 is on the minus strand). VCF-style: chr20-35434749-G-T. GRCh37 (hg19) VCF-style: chr20-34022547-G-T.
Other names: c.666C>A, p.Tyr222Ter (NM_001319138.2); short protein forms Y222*.
Identifiers: ClinVar variation 1453245 (VCV001453245.8), dbSNP rs2062463484, ClinGen allele CA408741621.